The following is an entry in ClinVar:

ClinVar aggregate classification (germline): Uncertain significance (1 of 4 stars; one submission).

Allele frequency attached by ClinVar (database versions not stated): gnomAD exomes below 0.00001.
gnomAD v4.1: 1 of 1,613,744 alleles (0.000062%); highest among the groups gnomAD compares: Admixed American, 0.0017%; no homozygotes.

Submission:

Labcorp Genetics (formerly Invitae), Labcorp
Classification: Uncertain significance. Last evaluated: 2025-04-28. Review status: criteria provided, single submitter. Criteria: Invitae Variant Classification Sherloc (09022015). Collection method: clinical testing. Allele origin: germline.
Comment: This sequence change replaces cysteine, which is neutral and slightly polar, with phenylalanine, which is neutral and non-polar, at codon 17 of the ACBD5 protein (p.Cys17Phe). This variant is present in population databases (no rsID available, gnomAD 0.003%). This variant has not been reported in the literature in individuals affected with ACBD5-related conditions. ClinVar contains an entry for this variant (Variation ID: 2824483). An algorithm developed to predict the effect of missense changes on protein structure and function (PolyPhen-2) suggests that this variant is likely to be disruptive. In summary, the available evidence is currently insufficient to determine the role of this variant in disease. Therefore, it has been classified as a Variant of Uncertain Significance.

NM_145698.5(ACBD5):c.50G>T (p.Cys17Phe)

Genes: ACBD5 (acyl-CoA binding domain containing 5; minus strand), LOC130003557 (ATAC-STARR-seq lymphoblastoid active region 3182; plus strand). Cytogenetic location: 10p12.1.
Variant type: single nucleotide variant.
Coding change: c.50G>T on transcript NM_145698.5 (MANE Select); coding-DNA position 50, G replaced by T.
Protein change: p.Cys17Phe; replaces cysteine 17 with phenylalanine.
Molecular consequence: missense variant. On other transcripts: 5 prime UTR variant (16).
Genome position (GRCh38, 1-based): chr10:27,240,450, C>A on the plus strand (G>T on the coding strand, the complement: ACBD5 is on the minus strand). VCF-style: chr10-27240450-C-A. GRCh37 (hg19) VCF-style: chr10-27529379-C-A.
Other names: c.-56G>T (NM_001042473.4, NM_001352574.2, NM_001352575.2 and 6 more transcripts); c.44G>T, p.Cys15Phe (NM_001271512.3, NM_001352571.1, NM_001352586.1 and 1 more transcripts); c.-157G>T (NM_001301251.2, NM_001301252.2, NM_001301253.2 and 4 more transcripts); c.71G>T, p.Cys24Phe (NM_001352568.1, NM_001352572.1); c.50G>T, p.Cys17Phe (NM_001352569.1, NM_001352570.1, NM_001352573.1 and 2 more transcripts); short protein forms C15F, C24F, C17F.
Identifiers: ClinVar variation 2824483 (VCV002824483.3), dbSNP rs1331315064, ClinGen allele CA376378869.